The following is an entry in ClinVar:

ClinVar aggregate classification (germline): Uncertain significance (1 of 4 stars; one submission).

Conditions:
Lynch syndrome. Identifiers: Orphanet 144, MedGen C4552100, MONDO:0005835. Disease mechanism: loss of function.

Submission:

All of Us Research Program, National Institutes of Health
Classification: Uncertain significance for Lynch syndrome. Last evaluated: 2024-01-03. Review status: criteria provided, single submitter. Criteria: ACMG Guidelines, 2015. Collection method: clinical testing. Allele origin: germline. Inheritance: Autosomal dominant inheritance. Observed: 1 variant allele, 1 heterozygote.
Comment: This missense variant replaces histidine with glutamine at codon 588 of the MSH6 protein. Computational prediction is inconclusive regarding the impact of this variant on protein structure and function (internally defined REVEL score threshold 0.5 < inconclusive < 0.7, PMID: 27666373). To our knowledge, functional studies have not been reported for this variant. This variant has not been reported in individuals affected with MSH6-related disorders in the literature. This variant has not been identified in the general population by the Genome Aggregation Database (gnomAD). The available evidence is insufficient to determine the role of this variant in disease conclusively. Therefore, this variant is classified as a Variant of Uncertain Significance.

This study involves interpretation of variants in research participants for the purpose of population health screening. Participant phenotype was not available at the time of variant classification. Additional details can be found in publication PMID: 35346344, PMCID: PMC8962531

NM_000179.3(MSH6):c.1764C>G (p.His588Gln)

Gene: MSH6 (mutS homolog 6; plus strand). Cytogenetic location: 2p16.3.
Variant type: single nucleotide variant.
Coding change: c.1764C>G on transcript NM_000179.3 (MANE Select); coding-DNA position 1764, C replaced by G.
Protein change: p.His588Gln; replaces histidine 588 with glutamine.
Molecular consequence: missense variant. On other transcripts: non-coding transcript variant (4), intron variant (2).
Genome position (GRCh38, 1-based): chr2:47,799,747, C>G. VCF-style: chr2-47799747-C-G. GRCh37 (hg19) VCF-style: chr2-48026886-C-G.
Other names: c.1374C>G, p.His458Gln (NM_001281492.2); c.858C>G, p.His286Gln (NM_001281493.2, NM_001281494.2, NM_001406811.1 and 6 more transcripts); c.1860C>G, p.His620Gln (NM_001406795.1, NM_001406802.1); c.1764C>G, p.His588Gln (NM_001406796.1, NM_001406798.1, NM_001406800.1 and 3 more transcripts); c.1467C>G, p.His489Gln (NM_001406797.1, NM_001406801.1, NM_001406805.1 and 10 more transcripts); c.1239C>G, p.His413Gln (NM_001406799.1, NM_001406806.1, NM_001406807.1); c.1686C>G, p.His562Gln (NM_001406804.1); c.1770C>G, p.His590Gln (NM_001406813.1); and 3 more; short protein forms H286Q, H413Q, H458Q, H489Q, H532Q, H562Q, H588Q, H590Q.
Identifiers: ClinVar variation 3075285 (VCV003075285.1), dbSNP rs1553413140, ClinGen allele CA346749076.